The following is an entry in ClinVar:

ClinVar aggregate classification (germline): Likely benign (1 of 4 stars; one submission).

Submission:

GeneDx
Classification: Likely benign. Last evaluated: 2017-08-15. Review status: criteria provided, single submitter. Criteria: GeneDx Variant Classification (06012015). Collection method: clinical testing. Allele origin: germline. Affected: yes.
Comment: This variant is considered likely benign or benign based on one or more of the following criteria: it is a conservative change, it occurs at a poorly conserved position in the protein, it is predicted to be benign by multiple in silico algorithms, and/or has population frequency not consistent with disease.

NM_002139.4(RBMX):c.782+4A>C

Gene: RBMX (RNA binding motif protein X-linked; minus strand). Cytogenetic location: Xq26.3.
Variant type: single nucleotide variant.
Coding change: c.782+4A>C on transcript NM_002139.4 (MANE Select); 4 bases into the intron after coding-DNA position 782, A replaced by C.
Molecular consequence: intron variant.
Genome position (GRCh38, 1-based): chrX:136,875,254, T>G on the plus strand (A>C on the coding strand, the complement: RBMX is on the minus strand). VCF-style: chrX-136875254-T-G. GRCh37 (hg19) VCF-style: chrX-135957413-T-G.
Other names: c.457+4A>C (NM_001164803.2).
Identifiers: ClinVar variation 511453 (VCV000511453.1), dbSNP rs1556342527, ClinGen allele CA658799868.